The following is an entry in ClinVar:

ClinVar aggregate classification (germline): Pathogenic. Review status: criteria provided, multiple submitters, no conflicts (2 of 4 stars). 2 submissions from 2 submitters: Pathogenic (2). Last evaluated 2026-01-08.

Conditions:
Familial hemophagocytic lymphohistiocytosis 3 (FHL3). Also called: UNC13D-Related Familial Hemophagocytic Lymphohistiocytosis (UNC13D-fHLH). Identifiers: Orphanet 540, MedGen C1837174, MONDO:0012146, OMIM 608898.

Allele frequency attached by ClinVar (database versions not stated): gnomAD exomes 0.00001 and 0.00002; ExAC 0.00002; gnomAD 0.00002; TOPMed 0.00002.

Submissions (2):

Labcorp Genetics (formerly Invitae), Labcorp
Classification: Pathogenic for Familial hemophagocytic lymphohistiocytosis 3. Last evaluated: 2026-01-08. Review status: criteria provided, single submitter. Criteria: Invitae Variant Classification Sherloc (09022015). Collection method: clinical testing. Allele origin: germline.
Comment: This sequence change creates a premature translational stop signal (p.Trp184*) in the UNC13D gene. It is expected to result in an absent or disrupted protein product. Loss-of-function variants in UNC13D are known to be pathogenic (PMID: 14622600). This variant is present in population databases (rs754292065, gnomAD 0.0009%). This premature translational stop signal has been observed in individual(s) with hemophagocytic lymphohistiocytosis (PMID: 21755595, 24470399, 25573973). ClinVar contains an entry for this variant (Variation ID: 940988). For these reasons, this variant has been classified as Pathogenic.

CeGaT Center for Human Genetics Tuebingen
Classification: Pathogenic. Last evaluated: 2022-07-01. Review status: criteria provided, single submitter. Criteria: CeGaT Center For Human Genetics Tuebingen Variant Classification Criteria Version 2. Collection method: clinical testing. Allele origin: germline. Affected: yes. Observed: 1 variant allele.
Comment: UNC13D: PVS1, PM2, PM3

Literature cited by the submitters: PubMed 14622600 (cited by Labcorp Genetics (formerly Invitae), Labcorp); PubMed 21755595 (cited by Labcorp Genetics (formerly Invitae), Labcorp); PubMed 24470399 (cited by Labcorp Genetics (formerly Invitae), Labcorp); PubMed 25573973 (cited by Labcorp Genetics (formerly Invitae), Labcorp).

NM_199242.3(UNC13D):c.551G>A (p.Trp184Ter)

Gene: UNC13D (unc-13 homolog D; minus strand). Cytogenetic location: 17q25.1.
Variant type: single nucleotide variant.
Coding change: c.551G>A on transcript NM_199242.3 (MANE Select); coding-DNA position 551, G replaced by A.
Protein change: p.Trp184Ter; replaces tryptophan 184 with a stop codon.
Molecular consequence: nonsense.
Genome position (GRCh38, 1-based): chr17:75,842,451, C>T on the plus strand (G>A on the coding strand, the complement: UNC13D is on the minus strand). VCF-style: chr17-75842451-C-T. GRCh37 (hg19) VCF-style: chr17-73838532-C-T.
Other names: short protein forms W184*.
Identifiers: ClinVar variation 940988 (VCV000940988.41), dbSNP rs754292065, ClinGen allele CA8773444.
Genomic context (GRCh38, chr17:75,842,451, plus strand): 5'-GAAAGACCTGGATAGAGTGGGGGCTGGAGCACGGCCACGTACAGGATGAAGGTCTCGTCC[C>T]AGACGGGGTTGAGTGTCTGGGTGATGACCTGCGTGCGGTGGGTCTCCTCCTCGGGGATGG-3'